The following is an entry in ClinVar:

NM_001378452.1(ITPR1):c.4445C>T (p.Ser1482Leu)

Gene: ITPR1 (inositol 1,4,5-trisphosphate receptor type 1; plus strand). Cytogenetic location: 3p26.1.
Variant type: single nucleotide variant.
Coding change: c.4445C>T on transcript NM_001378452.1 (MANE Select); coding-DNA position 4445, C replaced by T.
Protein change: p.Ser1482Leu; replaces serine 1482 with leucine.
Molecular consequence: missense variant.
Genome position (GRCh38, 1-based): chr3:4,699,850, C>T. VCF-style: chr3-4699850-C-T. GRCh37 (hg19) VCF-style: chr3-4741534-C-T.
Other names: c.4373C>T (NM_002222.5); c.4418C>T, p.Ser1473Leu (NM_001099952.4); c.4400C>T, p.Ser1467Leu (NM_001168272.2); c.4373C>T, p.Ser1458Leu (NM_002222.7); short protein forms S1458L, S1482L, S1467L, S1473L.
Identifiers: ClinVar variation 1897773 (VCV001897773.7), dbSNP rs199530586, ClinGen allele CA2231996.

ClinVar aggregate classification (germline): Uncertain significance. Review status: criteria provided, multiple submitters, no conflicts (2 of 4 stars). 2 submissions from 2 submitters: Uncertain significance (2). Last evaluated 2023-08-14.

Conditions:
Inborn genetic diseases. Identifiers: MedGen C0950123, MeSH D030342.

Allele frequency attached by ClinVar (database versions not stated): TOPMed below 0.00001; ExAC 0.00001.
gnomAD v4.1: 11 of 1,613,784 alleles (0.00068%); highest among the groups gnomAD compares: Admixed American, 0.0017%; no homozygotes.

Submissions (2):

Ambry Genetics
Classification: Uncertain significance for Inborn genetic diseases. Last evaluated: 2023-08-14. Review status: criteria provided, single submitter. Criteria: Ambry Variant Classification Scheme 2023. Collection method: clinical testing. Allele origin: germline.

Labcorp Genetics (formerly Invitae), Labcorp
Classification: Uncertain significance. Last evaluated: 2022-06-11. Review status: criteria provided, single submitter. Criteria: Invitae Variant Classification Sherloc (09022015). Collection method: clinical testing. Allele origin: germline.
Comment: This variant has not been reported in the literature in individuals affected with ITPR1-related conditions. Algorithms developed to predict the effect of missense changes on protein structure and function (SIFT, PolyPhen-2, Align-GVGD) all suggest that this variant is likely to be tolerated. In summary, the available evidence is currently insufficient to determine the role of this variant in disease. Therefore, it has been classified as a Variant of Uncertain Significance. This variant is present in population databases (rs199530586, gnomAD 0.002%). This sequence change replaces serine, which is neutral and polar, with leucine, which is neutral and non-polar, at codon 1458 of the ITPR1 protein (p.Ser1458Leu).